The following is an entry in ClinVar:

ClinVar aggregate classification (germline): Uncertain significance. Review status: criteria provided, single submitter (1 of 4 stars). 2 submissions from 2 submitters: Uncertain significance (1). 1 of the submissions does not count toward it. Last evaluated 2021-12-20.

Conditions:
Inborn genetic diseases. Identifiers: MedGen C0950123, MeSH D030342.

Allele frequency attached by ClinVar (database versions not stated): TOPMed 0.00001; gnomAD 0.00002.
gnomAD v4.1: 21 of 1,613,662 alleles (0.0013%); highest among the groups gnomAD compares: Non-Finnish European, 0.0017%; no homozygotes.

Submissions (2):

Ambry Genetics
Classification: Uncertain significance for Inborn genetic diseases. Last evaluated: 2021-12-20. Review status: criteria provided, single submitter. Criteria: Ambry Variant Classification Scheme 2023. Collection method: clinical testing. Allele origin: germline.

Martin Pollak Laboratory,  Beth Israel Deaconess Medical Center
Classification: Uncertain significance. Review status: no assertion criteria provided. Collection method: not provided. Allele origin: unknown. Not counted in ClinVar's aggregate classification.
Comment: Lower UCa2+ group
ClinVar note: Converted during submission from unknown to Uncertain significance.

NM_005070.4(SLC4A3):c.2233G>A (p.Val745Met)

Gene: SLC4A3 (solute carrier family 4 member 3; plus strand). Cytogenetic location: 2q35.
Variant type: single nucleotide variant.
Coding change: c.2233G>A on transcript NM_005070.4 (MANE Select); coding-DNA position 2233, G replaced by A.
Protein change: p.Val745Met; replaces valine 745 with methionine.
Molecular consequence: missense variant. On other transcripts: non-coding transcript variant (1).
Genome position (GRCh38, 1-based): chr2:219,636,343, G>A. VCF-style: chr2-219636343-G-A. GRCh37 (hg19) VCF-style: chr2-220501065-G-A.
Other names: c.2314G>A, p.Val772Met (NM_001326559.2, NM_201574.3); c.2314G>A (NM_201574.2); short protein forms V745M, V772M.
Identifiers: ClinVar variation 64554 (VCV000064554.4), dbSNP rs387907533, ClinGen allele CA216393.